The following is an entry in ClinVar:

NM_004859.4(CLTC):c.2471G>T (p.Cys824Phe)

Gene: CLTC (clathrin heavy chain; plus strand). Cytogenetic location: 17q23.1.
Variant type: single nucleotide variant.
Coding change: c.2471G>T on transcript NM_004859.4 (MANE Select); coding-DNA position 2471, G replaced by T.
Protein change: p.Cys824Phe; replaces cysteine 824 with phenylalanine.
Molecular consequence: missense variant.
Genome position (GRCh38, 1-based): chr17:59,674,753, G>T. VCF-style: chr17-59674753-G-T. GRCh37 (hg19) VCF-style: chr17-57752114-G-T.
Other names: c.2483G>T, p.Cys828Phe (NM_001288653.2); short protein forms C824F, C828F.
Identifiers: ClinVar variation 2809410 (VCV002809410.3), dbSNP rs2509140677, ClinGen allele CA400415418.

ClinVar aggregate classification (germline): Uncertain significance (1 of 4 stars; one submission).

Submission:

Labcorp Genetics (formerly Invitae), Labcorp
Classification: Uncertain significance. Last evaluated: 2022-10-23. Review status: criteria provided, single submitter. Criteria: Invitae Variant Classification Sherloc (09022015). Collection method: clinical testing. Allele origin: germline.
Comment: This sequence change replaces cysteine, which is neutral and slightly polar, with phenylalanine, which is neutral and non-polar, at codon 828 of the CLTC protein (p.Cys828Phe). This variant is not present in population databases (gnomAD no frequency). This variant has not been reported in the literature in individuals affected with CLTC-related conditions. Advanced modeling of protein sequence and biophysical properties (such as structural, functional, and spatial information, amino acid conservation, physicochemical variation, residue mobility, and thermodynamic stability) performed at Invitae indicates that this missense variant is expected to disrupt CLTC protein function. In summary, the available evidence is currently insufficient to determine the role of this variant in disease. Therefore, it has been classified as a Variant of Uncertain Significance.